The following is an entry in ClinVar:

ClinVar aggregate classification (germline): Conflicting classifications of pathogenicity. Review status: criteria provided, conflicting classifications (1 of 4 stars). 11 submissions from 11 submitters: Uncertain significance (1); Benign (2); Likely benign (5). 3 of the submissions do not count toward it. Last evaluated 2026-06-01.

Conditions:
Bone marrow failure syndrome 3 (BMFS3). Identifiers: MedGen C4310744, MONDO:0014887, OMIM 617052.
DNAJC21-related disorder. Also called: DNAJC21-related condition.

Allele frequency attached by ClinVar (database versions not stated): 1000 Genomes Project 30x 0.00156; 1000 Genomes Project 0.00180; TOPMed 0.00319; ESP Exome Variant Server 0.00446; gnomAD 0.00471.
gnomAD v4.1: 7,369 of 1,614,126 alleles (0.46%); highest among the groups gnomAD compares: Non-Finnish European, 0.55%; 24 homozygotes.

Submissions (11):

CeGaT Center for Human Genetics Tuebingen
Classification: Likely benign. Last evaluated: 2026-06-01. Review status: criteria provided, single submitter. Criteria: CeGaT Center For Human Genetics Tuebingen Variant Classification Criteria Version 2. Collection method: clinical testing. Allele origin: germline. Affected: yes. Observed: 13 variant alleles.
Comment: DNAJC21: BS2

Women's Health and Genetics/Laboratory Corporation of America, LabCorp
Classification: Likely benign. Last evaluated: 2026-02-06. Review status: criteria provided, single submitter. Criteria: LabCorp Variant Classification Summary - May 2015. Collection method: clinical testing. Allele origin: germline.
Comment: Variant summary: DNAJC21 c.1024G>A (p.Val342Met) results in a conservative amino acid change in the encoded protein sequence. Algorithms developed to predict the effect of missense changes on protein structure and function are either unavailable or do not agree on the potential impact of this missense change. The variant allele was found at a frequency of 0.0032 in 251412 control chromosomes, predominantly at a frequency of 0.0053 within the Non-Finnish European subpopulation in the gnomAD database, including 4 homozygotes. The observed variant frequency within Non-Finnish European control individuals in the gnomAD database exceeds the estimated maximal expected allele frequency for disease-causing variants in DNAJC21. To our knowledge, no occurrence of c.1024G>A in individuals affected with DNAJC21-related conditions and no experimental evidence demonstrating its impact on protein function have been reported. ClinVar contains an entry for this variant (Variation ID: 790400). Based on the evidence outlined above, the variant was classified as likely benign.

Labcorp Genetics (formerly Invitae), Labcorp
Classification: Benign. Last evaluated: 2026-02-04. Review status: criteria provided, single submitter. Criteria: Invitae Variant Classification Sherloc (09022015). Collection method: clinical testing. Allele origin: germline.

Blueprint Genetics
Classification: Likely benign. Last evaluated: 2024-11-23. Review status: criteria provided, single submitter. Criteria: ACMG Guidelines, 2015. Collection method: clinical testing. Allele origin: germline.

Mayo Clinic Laboratories, Mayo Clinic
Classification: Benign. Last evaluated: 2024-11-08. Review status: criteria provided, single submitter. Criteria: ACMG Guidelines, 2015. Collection method: clinical testing. Allele origin: germline. Observed: 3 variant alleles.
Comment: BS1, BS2

Genetic Services Laboratory, University of Chicago
Classification: Likely benign. Last evaluated: 2021-11-19. Review status: criteria provided, single submitter. Criteria: ACMG Guidelines, 2015. Collection method: clinical testing. Allele origin: germline. Affected: no.

Genetics and Molecular Pathology, SA Pathology
Classification: Uncertain significance for Bone marrow failure syndrome 3. Last evaluated: 2021-01-19. Review status: criteria provided, single submitter. Criteria: ACMG Guidelines, 2015. Collection method: clinical testing. Allele origin: germline. Inheritance: Autosomal recessive inheritance. Affected: yes.
Comment: The DNAJC21 c.1024G>A variant is classified as VUS due to insufficient evidence to aid classification.. (BA1, PP3)

Breakthrough Genomics
Classification: Likely benign. Review status: criteria provided, single submitter. Criteria: ACMG Guidelines, 2015. Collection method: not provided. Allele origin: germline. Inheritance: Autosomal recessive inheritance. Affected: yes.

PreventionGenetics, part of Exact Sciences
Classification: Likely benign for DNAJC21-related condition. Last evaluated: 2020-02-11. Review status: no assertion criteria provided. Collection method: clinical testing. Allele origin: germline. Not counted in ClinVar's aggregate classification.
Comment: This variant is classified as likely benign based on ACMG/AMP sequence variant interpretation guidelines (Richards et al. 2015 PMID: 25741868, with internal and published modifications).

Clinical Genetics DNA and cytogenetics Diagnostics Lab, Erasmus MC, Erasmus Medical Center
Classification: Likely benign. Review status: no assertion criteria provided. Collection method: clinical testing. Allele origin: germline. Affected: yes. Study: VKGL Data-share Consensus. Not counted in ClinVar's aggregate classification.

Laboratory of Diagnostic Genome Analysis, Leiden University Medical Center (LUMC)
Classification: Benign. Review status: no assertion criteria provided. Collection method: clinical testing. Allele origin: germline. Affected: yes. Study: VKGL Data-share Consensus. Not counted in ClinVar's aggregate classification.

Literature cited by the submitters: PubMed 30198570 (cited by Mayo Clinic Laboratories, Mayo Clinic).

NM_001012339.3(DNAJC21):c.1024G>A (p.Val342Met)

Gene: DNAJC21 (DnaJ heat shock protein family (Hsp40) member C21; plus strand). Cytogenetic location: 5p13.2.
Variant type: single nucleotide variant.
Coding change: c.1024G>A on transcript NM_001012339.3 (MANE Select); coding-DNA position 1024, G replaced by A.
Protein change: p.Val342Met; replaces valine 342 with methionine.
Molecular consequence: missense variant.
Genome position (GRCh38, 1-based): chr5:34,944,907, G>A. VCF-style: chr5-34944907-G-A. GRCh37 (hg19) VCF-style: chr5-34945012-G-A.
Other names: p.Val342Met; c.1024G>A, p.Val342Met (NM_001348420.2, NM_194283.4); short protein forms V342M.
Identifiers: ClinVar variation 790400 (VCV000790400.53), dbSNP rs144600070, ClinGen allele CA3228682.